The following is an entry in ClinVar:

NM_002907.4(RECQL):c.1633A>T (p.Ile545Phe)

Gene: RECQL (RecQ like helicase; minus strand). Cytogenetic location: 12p12.1.
Variant type: single nucleotide variant.
Coding change: c.1633A>T on transcript NM_002907.4 (MANE Select); coding-DNA position 1633, A replaced by T.
Protein change: p.Ile545Phe; replaces isoleucine 545 with phenylalanine.
Molecular consequence: missense variant.
Genome position (GRCh38, 1-based): chr12:21,471,462, T>A on the plus strand (A>T on the coding strand, the complement: RECQL is on the minus strand). VCF-style: chr12-21471462-T-A. GRCh37 (hg19) VCF-style: chr12-21624396-T-A.
Other names: c.1633A>T, p.Ile545Phe (NM_032941.3); short protein forms I545F.
Identifiers: ClinVar variation 947263 (VCV000947263.17), dbSNP rs374053809, ClinGen allele CA6478705.

ClinVar aggregate classification (germline): Uncertain significance. Review status: criteria provided, multiple submitters, no conflicts (2 of 4 stars). 5 submissions from 5 submitters: Uncertain significance (5). Last evaluated 2025-11-03.

Conditions:
RECON progeroid syndrome (RECON). Identifiers: MedGen C5830504, MONDO:0957266, OMIM 620370.

Allele frequency attached by ClinVar (database versions not stated): gnomAD exomes below 0.00001 and 0.00001; ExAC 0.00001; TOPMed 0.00001; gnomAD 0.00002.
gnomAD v4.1: 14 of 1,613,054 alleles (0.00087%); highest among the groups gnomAD compares: Admixed American, 0.005%; no homozygotes.

Submissions (5):

Labcorp Genetics (formerly Invitae), Labcorp
Classification: Uncertain significance. Last evaluated: 2025-11-03. Review status: criteria provided, single submitter. Criteria: Invitae Variant Classification Sherloc (09022015). Collection method: clinical testing. Allele origin: germline.
Comment: This sequence change replaces isoleucine, which is neutral and non-polar, with phenylalanine, which is neutral and non-polar, at codon 545 of the RECQL protein (p.Ile545Phe). This variant is present in population databases (rs374053809, gnomAD 0.006%). This variant has not been reported in the literature in individuals affected with RECQL-related conditions. ClinVar contains an entry for this variant (Variation ID: 947263). Invitae Evidence Modeling of protein sequence and biophysical properties (such as structural, functional, and spatial information, amino acid conservation, physicochemical variation, residue mobility, and thermodynamic stability) indicates that this missense variant is not expected to disrupt RECQL protein function with a negative predictive value of 80%. In summary, the available evidence is currently insufficient to determine the role of this variant in disease. Therefore, it has been classified as a Variant of Uncertain Significance.

GeneDx
Classification: Uncertain significance. Last evaluated: 2025-09-02. Review status: criteria provided, single submitter. Criteria: GeneDx Variant Classification Process June 2021. Collection method: clinical testing. Allele origin: germline. Affected: yes.
Comment: Not observed at significant frequency in large population cohorts (gnomAD); In silico analysis supports that this missense variant has a deleterious effect on protein structure/function; Has not been previously published as pathogenic or benign to our knowledge; Variants in candidate genes are classified as variants of uncertain significance in accordance with ACMG guidelines (PMID: 25741868); This variant is associated with the following publications: (PMID: 19151156, 23396353, 27248010)

Quest Diagnostics Nichols Institute San Juan Capistrano
Classification: Uncertain significance. Last evaluated: 2025-02-25. Review status: criteria provided, single submitter. Criteria: Quest Diagnostics criteria. Collection method: clinical testing. Allele origin: unknown.
Comment: The RECQL c.1633A>T (p.Ile545Phe) variant has been reported in the published literature in individuals with breast cancer as well as reportedly healthy individuals (PMID: 33471991 (2021), see also LOVD). The frequency of this variant in the general population (Genome Aggregation Database) is uninformative in the assessment of its pathogenicity. Analysis of this variant using bioinformatics tools for the prediction of the effect of amino acid changes on protein structure and function yielded predictions that this variant is benign. Based on the available information, we are unable to determine the clinical significance of this variant.

Ambry Genetics
Classification: Uncertain significance. Last evaluated: 2024-11-15. Review status: criteria provided, single submitter. Criteria: Ambry Variant Classification Scheme 2023. Collection method: clinical testing. Allele origin: germline.
Comment: The p.I545F variant (also known as c.1633A>T), located in coding exon 12 of the RECQL gene, results from an A to T substitution at nucleotide position 1633. The isoleucine at codon 545 is replaced by phenylalanine, an amino acid with highly similar properties. This amino acid position is not well conserved in available vertebrate species. In addition, this alteration is predicted to be tolerated by in silico analysis. Since supporting evidence is limited at this time, the clinical significance of this alteration remains unclear.

Department of Pathology and Laboratory Medicine, Sinai Health System
Classification: Uncertain significance for RECON progeroid syndrome. Last evaluated: 2022-12-08. Review status: criteria provided, single submitter. Criteria: ACMG Guidelines, 2015. Collection method: research. Allele origin: germline.

Literature cited by the submitters: PubMed 33471991 (cited by Quest Diagnostics Nichols Institute San Juan Capistrano).